The following is an entry in ClinVar:

ClinVar aggregate classification (germline): Uncertain significance (1 of 4 stars; one submission).

gnomAD v4.1: 3 of 1,335,094 alleles (0.00022%); highest among the groups gnomAD compares: Non-Finnish European, 0.00029%; no homozygotes.

Submission:

Labcorp Genetics (formerly Invitae), Labcorp
Classification: Uncertain significance. Last evaluated: 2025-10-26. Review status: criteria provided, single submitter. Criteria: Invitae Variant Classification Sherloc (09022015). Collection method: clinical testing. Allele origin: germline.
Comment: This sequence change replaces valine, which is neutral and non-polar, with methionine, which is neutral and non-polar, at codon 30 of the DHX37 protein (p.Val30Met). This variant is present in population databases (no rsID available, gnomAD 0.007%). This variant has not been reported in the literature in individuals affected with DHX37-related conditions. An algorithm developed to predict the effect of missense changes on protein structure and function (PolyPhen-2) suggests that this variant is likely to be disruptive. In summary, the available evidence is currently insufficient to determine the role of this variant in disease. Therefore, it has been classified as a Variant of Uncertain Significance.

NM_032656.4(DHX37):c.88G>A (p.Val30Met)

Genes: DHX37 (DEAH-box helicase 37; minus strand), LOC130009166 (ATAC-STARR-seq lymphoblastoid silent region 5073; plus strand). Cytogenetic location: 12q24.31.
Variant type: single nucleotide variant.
Coding change: c.88G>A on transcript NM_032656.4 (MANE Select); coding-DNA position 88, G replaced by A.
Protein change: p.Val30Met; replaces valine 30 with methionine.
Molecular consequence: missense variant.
Genome position (GRCh38, 1-based): chr12:124,988,935, C>T on the plus strand (G>A on the coding strand, the complement: DHX37 is on the minus strand). VCF-style: chr12-124988935-C-T. GRCh37 (hg19) VCF-style: chr12-125473481-C-T.
Other names: short protein forms V30M.
Identifiers: ClinVar variation 4751521 (VCV004751521.1).